The following is an entry in ClinVar:

NM_005228.5(EGFR):c.2169C>T (p.Phe723=)

Gene: EGFR (epidermal growth factor receptor; plus strand). Cytogenetic location: 7p11.2.
Variant type: single nucleotide variant.
Coding change: c.2169C>T on transcript NM_005228.5 (MANE Select); coding-DNA position 2169, C replaced by T.
Protein change: p.Phe723=; no amino-acid change (phenylalanine 723 retained).
Molecular consequence: synonymous variant.
Genome position (GRCh38, 1-based): chr7:55,174,028, C>T. VCF-style: chr7-55174028-C-T. GRCh37 (hg19) VCF-style: chr7-55241721-C-T.
Other names: c.2169C>T (NM_005228.4, NM_005228.3); c.2034C>T, p.Phe678= (NM_001346897.2, NM_001346899.2); c.2169C>T, p.Phe723= (NM_001346898.2); c.2010C>T, p.Phe670= (NM_001346900.2); c.1368C>T, p.Phe456= (NM_001346941.2).
Identifiers: ClinVar variation 1113912 (VCV001113912.26), dbSNP rs370590012, ClinGen allele CA4265985.
Genomic context (GRCh38, chr7:55,174,028, plus strand): 5'-CTTGAGGATCTTGAAGGAAACTGAATTCAAAAAGATCAAAGTGCTGGGCTCCGGTGCGTT[C>T]GGCACGGTGTATAAGGTAAGGTCCCTGGCACAGGCCTCTGGGCTGGGCCGCAGGGCCTCT-3'
Protein context (NP_005219.2, residues 713-733): KKIKVLGSGA[Phe723=]GTVYKGLWIP

ClinVar aggregate classification (germline): Benign/Likely benign. Review status: criteria provided, multiple submitters, no conflicts (2 of 4 stars). 6 submissions from 6 submitters: Benign (2); Likely benign (4). Last evaluated 2026-01-16.

Conditions:
EGFR-related lung cancer (EGFR). Identifiers: MedGen CN130014.
Hereditary cancer-predisposing syndrome. Also called: Neoplastic Syndromes, Hereditary; Tumor predisposition; Hereditary neoplastic syndrome; Hereditary Cancer Syndrome. Identifiers: Orphanet 140162, MedGen C0027672, MeSH D009386, MONDO:0015356.
Lung cancer. Also called: Malignant tumor of lung; Lung cancer, somatic. Identifiers: MedGen C0242379, MONDO:0008903, OMIM 211980.

Allele frequency attached by ClinVar (database versions not stated): gnomAD exomes 0.00004 and 0.00006; ExAC 0.00006; gnomAD 0.00007; TOPMed 0.00007; ESP Exome Variant Server 0.00015.
gnomAD v4.1: 104 of 1,614,070 alleles (0.0064%); highest among the groups gnomAD compares: Non-Finnish European, 0.0074%; no homozygotes.

Submissions (6):

Labcorp Genetics (formerly Invitae), Labcorp
Classification: Likely benign for EGFR-related lung cancer. Last evaluated: 2026-01-16. Review status: criteria provided, single submitter. Criteria: Invitae Variant Classification Sherloc (09022015). Collection method: clinical testing. Allele origin: germline.

CeGaT Center for Human Genetics Tuebingen
Classification: Likely benign. Last evaluated: 2024-12-01. Review status: criteria provided, single submitter. Criteria: CeGaT Center For Human Genetics Tuebingen Variant Classification Criteria Version 2. Collection method: clinical testing. Allele origin: germline. Affected: yes. Observed: 1 variant allele.
Comment: EGFR: BP4, BP7

Myriad Genetics, Inc.
Classification: Benign for Lung cancer. Last evaluated: 2024-10-16. Review status: criteria provided, single submitter. Criteria: Myriad Autosomal Dominant, Autosomal Recessive and X-Linked Classification Criteria (2023). Collection method: clinical testing. Allele origin: unknown.
Comment: This variant is considered benign. This variant is a silent/synonymous amino acid change and it is not expected to impact splicing.

Ambry Genetics
Classification: Likely benign for Hereditary cancer-predisposing syndrome. Last evaluated: 2024-10-04. Review status: criteria provided, single submitter. Criteria: Ambry Variant Classification Scheme 2023. Collection method: clinical testing. Allele origin: germline.

Quest Diagnostics Nichols Institute San Juan Capistrano
Classification: Benign. Last evaluated: 2023-01-19. Review status: criteria provided, single submitter. Criteria: Quest Diagnostics criteria. Collection method: clinical testing. Allele origin: unknown.

Blueprint Genetics
Classification: Likely benign. Last evaluated: 2022-11-09. Review status: criteria provided, single submitter. Criteria: ACMG Guidelines, 2015. Collection method: clinical testing. Allele origin: germline.